The following is an entry in ClinVar:

ClinVar aggregate classification (germline): Pathogenic/Likely pathogenic. Review status: criteria provided, multiple submitters, no conflicts (2 of 4 stars). 6 submissions from 6 submitters: Pathogenic (1); Likely pathogenic (4). 1 of the submissions does not count toward it. Last evaluated 2025-11-29.

Conditions:
Hypophosphatasia. Also called: Phosphoethanol-aminuria. Identifiers: Orphanet 436, MedGen C0020630, MeSH D007014, MONDO:0018570.
Infantile hypophosphatasia. Identifiers: Orphanet 247651, Orphanet 436, MedGen C0268412, MONDO:1010169, OMIM 241500, MONDO:0009427.
Adult hypophosphatasia. Identifiers: Orphanet 247676, Orphanet 436, MedGen C0268413, MONDO:1010154, OMIM 146300, MONDO:0007798.

Allele frequency attached by ClinVar (database versions not stated): TOPMed 0.00001; gnomAD exomes below 0.00001; ExAC 0.00001.
gnomAD v4.1: 4 of 1,614,076 alleles (0.00025%); highest among the groups gnomAD compares: Admixed American, 0.0017%; no homozygotes.

Submissions (6):

Natera, Inc.
Classification: Likely pathogenic for Hypophosphatasia. Last evaluated: 2025-11-29. Review status: criteria provided, single submitter. Criteria: Natera Variant Classification Schema (03/2026). Collection method: clinical testing. Allele origin: germline.
Comment: The c.658G>A variant in ALPL is a missense variant predicted to cause substitution of glycine to arginine at amino acid 220. This variant is rare in the general population with a frequency below the threshold expected for the associated phenotype(s). This variant has been observed in one or more individuals affected with the associated recessive disease, as either homozygous or compound heterozygous with a second variant (PMID: 33301960, 32973344, 25731960, 22397652). A different variant at the same position has been determined to be Pathogenic or Likely Pathogenic. Computational prediction algorithms indicate this variant is likely to affect gene or protein function. Given the available evidence, this variant is classified as Likely Pathogenic.

Genomenon, Inc
Classification: Likely pathogenic for Hypophosphatasia. Last evaluated: 2025-08-29. Review status: criteria provided, single submitter. Criteria: Genomenon Sequence Variant Interpretation Standards. Collection method: curation. Allele origin: germline. Affected: yes.
Comment: ALPL c.658G>A is a missense variant that changes the amino acid at residue 220 from Glycine to Arginine. This variant has been observed in at least one proband affected with hypophosphatasia (PMID:32973344;22397652;25731960). It is absent or not present at a significant frequency in gnomAD. In silico models agree that this variant is possibly or probably damaging. In conclusion, we classify ALPL p.Gly220Arg (c.658G>A) as a likely pathogenic variant.

Baylor Genetics
Classification: Likely pathogenic for Adult hypophosphatasia. Last evaluated: 2024-03-13. Review status: criteria provided, single submitter. Criteria: ACMG Guidelines, 2015. Collection method: clinical testing. Allele origin: unknown.

Labcorp Genetics (formerly Invitae), Labcorp
Classification: Pathogenic. Last evaluated: 2024-03-12. Review status: criteria provided, single submitter. Criteria: Invitae Variant Classification Sherloc (09022015). Collection method: clinical testing. Allele origin: germline.
Comment: This sequence change replaces glycine, which is neutral and non-polar, with arginine, which is basic and polar, at codon 220 of the ALPL protein (p.Gly220Arg). This variant is present in population databases (rs747488546, gnomAD 0.003%). This missense change has been observed in individual(s) with hypophosphatasia (PMID: 22397652, 25731960). ClinVar contains an entry for this variant (Variation ID: 554408). Advanced modeling of protein sequence and biophysical properties (such as structural, functional, and spatial information, amino acid conservation, physicochemical variation, residue mobility, and thermodynamic stability) performed at Invitae indicates that this missense variant is expected to disrupt ALPL protein function with a positive predictive value of 95%. This variant disrupts the p.Gly220 amino acid residue in ALPL. Other variant(s) that disrupt this residue have been determined to be pathogenic (PMID: 12815606, 22394703, 22397652, 28663156). This suggests that this residue is clinically significant, and that variants that disrupt this residue are likely to be disease-causing. For these reasons, this variant has been classified as Pathogenic.

Laboratorio de Genetica e Diagnostico Molecular, Hospital Israelita Albert Einstein
Classification: Likely pathogenic for Adult hypophosphatasia. Last evaluated: 2022-03-02. Review status: criteria provided, single submitter. Criteria: ACMG Guidelines, 2015. Collection method: clinical testing. Allele origin: germline. Affected: yes.
Comment: ACMG classification criteria: PS4 supporting, PM2 moderated, PM3 moderated, PM5 moderated, PP3 supporting

Counsyl
Classification: Uncertain significance for Infantile hypophosphatasia. Last evaluated: 2017-10-17. Review status: no assertion criteria provided. Collection method: clinical testing. Allele origin: unknown. Not counted in ClinVar's aggregate classification.

Literature cited by the submitters: PubMed 33301960 (cited by Natera, Inc.); PubMed 32973344 (cited by Natera, Inc. and Genomenon, Inc); PubMed 25731960 (cited by 4 submitters); PubMed 22397652 (cited by 4 submitters); PubMed 12815606 (cited by Labcorp Genetics (formerly Invitae), Labcorp); PubMed 22394703 (cited by Labcorp Genetics (formerly Invitae), Labcorp); PubMed 28663156 (cited by Labcorp Genetics (formerly Invitae), Labcorp).

NM_000478.6(ALPL):c.658G>A (p.Gly220Arg)

Gene: ALPL (alkaline phosphatase, biomineralization associated; plus strand). Cytogenetic location: 1p36.12.
Variant type: single nucleotide variant.
Coding change: c.658G>A on transcript NM_000478.6 (MANE Select); coding-DNA position 658, G replaced by A.
Protein change: p.Gly220Arg; replaces glycine 220 with arginine.
Molecular consequence: missense variant.
Genome position (GRCh38, 1-based): chr1:21,568,113, G>A. VCF-style: chr1-21568113-G-A. GRCh37 (hg19) VCF-style: chr1-21894606-G-A.
Other names: c.493G>A, p.Gly165Arg (NM_001127501.4); c.427G>A, p.Gly143Arg (NM_001177520.3); c.658G>A, p.Gly220Arg (NM_001369803.2, NM_001369804.2, NM_001369805.2); short protein forms G220R, G143R, G165R.
Identifiers: ClinVar variation 554408 (VCV000554408.16), dbSNP rs747488546, ClinGen allele CA666573.